The following is an entry in ClinVar:

NM_001029883.3(PCARE):c.1793C>T (p.Ser598Leu)

Gene: PCARE (photoreceptor cilium actin regulator; minus strand). Cytogenetic location: 2p23.2.
Variant type: single nucleotide variant.
Coding change: c.1793C>T on transcript NM_001029883.3 (MANE Select); coding-DNA position 1793, C replaced by T.
Protein change: p.Ser598Leu; replaces serine 598 with leucine.
Molecular consequence: missense variant.
Genome position (GRCh38, 1-based): chr2:29,072,469, G>A on the plus strand (C>T on the coding strand, the complement: PCARE is on the minus strand). VCF-style: chr2-29072469-G-A. GRCh37 (hg19) VCF-style: chr2-29295335-G-A.
Other names: short protein forms S598L.
Identifiers: ClinVar variation 1038116 (VCV001038116.7), dbSNP rs951378635, ClinGen allele CA44642087.

ClinVar aggregate classification (germline): Uncertain significance (1 of 4 stars; one submission).

Allele frequency attached by ClinVar (database versions not stated): gnomAD exomes below 0.00001; gnomAD 0.00002; TOPMed 0.00002.
gnomAD v4.1: 5 of 1,614,056 alleles (0.00031%); highest among the groups gnomAD compares: African/African-American, 0.004%; no homozygotes.

Submission:

Labcorp Genetics (formerly Invitae), Labcorp
Classification: Uncertain significance. Last evaluated: 2022-02-19. Review status: criteria provided, single submitter. Criteria: Invitae Variant Classification Sherloc (09022015). Collection method: clinical testing. Allele origin: germline.
Comment: This sequence change replaces serine, which is neutral and polar, with leucine, which is neutral and non-polar, at codon 598 of the PCARE protein (p.Ser598Leu). This variant is present in population databases (no rsID available, gnomAD 0.01%). This variant has not been reported in the literature in individuals affected with PCARE-related conditions. ClinVar contains an entry for this variant (Variation ID: 1038116). Algorithms developed to predict the effect of missense changes on protein structure and function (SIFT, PolyPhen-2, Align-GVGD) all suggest that this variant is likely to be tolerated. In summary, the available evidence is currently insufficient to determine the role of this variant in disease. Therefore, it has been classified as a Variant of Uncertain Significance.